The following is an entry in ClinVar:

ClinVar aggregate classification (germline): Uncertain significance. Review status: criteria provided, multiple submitters, no conflicts (2 of 4 stars). 2 submissions from 2 submitters: Uncertain significance (2). Last evaluated 2024-03-02.

Conditions:
Inborn genetic diseases. Identifiers: MedGen C0950123, MeSH D030342.

Allele frequency attached by ClinVar (database versions not stated): gnomAD exomes below 0.00001; ExAC 0.00001; TOPMed 0.00001.
gnomAD v4.1: 5 of 1,614,224 alleles (0.00031%); highest among the groups gnomAD compares: South Asian, 0.0011%; no homozygotes.

Submissions (2):

Labcorp Genetics (formerly Invitae), Labcorp
Classification: Uncertain significance. Last evaluated: 2024-03-02. Review status: criteria provided, single submitter. Criteria: Invitae Variant Classification Sherloc (09022015). Collection method: clinical testing. Allele origin: germline.
Comment: This sequence change replaces aspartic acid, which is acidic and polar, with asparagine, which is neutral and polar, at codon 668 of the SNRNP200 protein (p.Asp668Asn). This variant is present in population databases (rs769109429, gnomAD 0.0009%). This variant has not been reported in the literature in individuals affected with SNRNP200-related conditions. ClinVar contains an entry for this variant (Variation ID: 1041287). Advanced modeling of protein sequence and biophysical properties (such as structural, functional, and spatial information, amino acid conservation, physicochemical variation, residue mobility, and thermodynamic stability) performed at Invitae indicates that this missense variant is not expected to disrupt SNRNP200 protein function with a negative predictive value of 80%. In summary, the available evidence is currently insufficient to determine the role of this variant in disease. Therefore, it has been classified as a Variant of Uncertain Significance.

Ambry Genetics
Classification: Uncertain significance for Inborn genetic diseases. Last evaluated: 2023-06-16. Review status: criteria provided, single submitter. Criteria: Ambry Variant Classification Scheme 2023. Collection method: clinical testing. Allele origin: germline.

NM_014014.5(SNRNP200):c.2002G>A (p.Asp668Asn)

Gene: SNRNP200 (small nuclear ribonucleoprotein U5 subunit 200; minus strand). Cytogenetic location: 2q11.2.
Variant type: single nucleotide variant.
Coding change: c.2002G>A on transcript NM_014014.5 (MANE Select); coding-DNA position 2002, G replaced by A.
Protein change: p.Asp668Asn; replaces aspartic acid 668 with asparagine.
Molecular consequence: missense variant.
Genome position (GRCh38, 1-based): chr2:96,293,350, C>T on the plus strand (G>A on the coding strand, the complement: SNRNP200 is on the minus strand). VCF-style: chr2-96293350-C-T. GRCh37 (hg19) VCF-style: chr2-96959088-C-T.
Other names: c.2002G>A (NM_014014.4); short protein forms D668N.
Identifiers: ClinVar variation 1041287 (VCV001041287.10), dbSNP rs769109429, ClinGen allele CA1778796.